The following is an entry in ClinVar:

NM_000836.4(GRIN2D):c.3910G>C (p.Gly1304Arg)

Gene: GRIN2D (glutamate ionotropic receptor NMDA type subunit 2D; plus strand). Cytogenetic location: 19q13.33.
Variant type: single nucleotide variant.
Coding change: c.3910G>C on transcript NM_000836.4 (MANE Select); coding-DNA position 3910, G replaced by C.
Protein change: p.Gly1304Arg; replaces glycine 1304 with arginine.
Molecular consequence: missense variant.
Genome position (GRCh38, 1-based): chr19:48,443,836, G>C. VCF-style: chr19-48443836-G-C. GRCh37 (hg19) VCF-style: chr19-48947093-G-C.
Other names: short protein forms G1304R.
Identifiers: ClinVar variation 3613433 (VCV003613433.2).
Genomic context (GRCh38, chr19:48,443,836, plus strand): 5'-GCGCGCAGGCTTACCGGGCCCTCCCGCCACGCTCGCAGGTGTCCGCACGCCGCGCACTGG[G>C]GGCCGCCGCTGCCCACAGCTTCCCACCGGAGACACCGGGGCGGGGACCTGGGCACCCGCA-3'
Protein context (NP_000827.2, residues 1294-1314): ARRCPHAAHW[Gly1304Arg]PPLPTASHRR

ClinVar aggregate classification (germline): Uncertain significance (1 of 4 stars; one submission).

Submission:

Labcorp Genetics (formerly Invitae), Labcorp
Classification: Uncertain significance. Last evaluated: 2024-11-16. Review status: criteria provided, single submitter. Criteria: Invitae Variant Classification Sherloc (09022015). Collection method: clinical testing. Allele origin: germline.
Comment: This sequence change replaces glycine, which is neutral and non-polar, with arginine, which is basic and polar, at codon 1304 of the GRIN2D protein (p.Gly1304Arg). This variant is not present in population databases (gnomAD no frequency). This variant has not been reported in the literature in individuals affected with GRIN2D-related conditions. Invitae Evidence Modeling of protein sequence and biophysical properties (such as structural, functional, and spatial information, amino acid conservation, physicochemical variation, residue mobility, and thermodynamic stability) indicates that this missense variant is not expected to disrupt GRIN2D protein function with a negative predictive value of 95%. In summary, the available evidence is currently insufficient to determine the role of this variant in disease. Therefore, it has been classified as a Variant of Uncertain Significance.